The following is an entry in ClinVar:

ClinVar aggregate classification (germline): Uncertain significance (1 of 4 stars; one submission).

Conditions:
Inborn genetic diseases. Identifiers: MedGen C0950123, MeSH D030342.

Submission:

Ambry Genetics
Classification: Uncertain significance for Inborn genetic diseases. Last evaluated: 2025-03-20. Review status: criteria provided, single submitter. Criteria: Ambry Variant Classification Scheme 2023. Collection method: clinical testing. Allele origin: germline.
Comment: The c.20_22delAGC variant (also known as p.Q7del) is located in coding exon 1 of the GATA2 gene. This variant results from an in-frame AGC deletion at nucleotide positions 20 to 22. This results in the in-frame deletion of a glutamine at codon 7. This amino acid position is highly conserved in available vertebrate species. In addition, the in silico prediction for this alteration is inconclusive (Choi Y et al. PLoS ONE. 2012; 7(10):e46688). Based on the available evidence, the clinical significance of this variant remains unclear.

NM_032638.5(GATA2):c.17AGC[1] (p.Gln7del)

Gene: GATA2 (GATA binding protein 2; minus strand). Cytogenetic location: 3q21.3.
Variant type: Microsatellite.
Coding change: c.17AGC[1] on transcript NM_032638.5 (MANE Select); one copy of the 3-base unit AGC starting at c.17; the reference has two copies in a row; one copy, 3 bases deleted.
Protein change: p.Gln7del; deletes glutamine 7.
Molecular consequence: inframe indel (on NM_032638.4).
Genome position (GRCh38, 1-based): chr3:128,487,010-128,487,012, GCT deleted on the plus strand (AGC on the coding strand, the reverse complement: GATA2 is on the minus strand); deleting any 3 consecutive bases within chr3:128,487,010-128,487,015 gives the same sequence; the position shown is the placement nearest the transcript's 3' end. VCF-style (leftmost placement, unchanged base first): chr3-128487009-GGCT-G. GRCh37 (hg19) VCF-style: chr3-128205852-GGCT-G.
Other names: c.17AGC[1], p.Gln7del (NM_001145661.2, NM_001145662.1); c.17_19AGC[1], p.Gln7del (NM_032638.4); c.20_22delAGC (NM_032638.4); short protein forms Q7del.
Identifiers: ClinVar variation 4028466 (VCV004028466.1).